The following is an entry in ClinVar:

NM_080669.6(SLC46A1):c.85G>A (p.Val29Ile)

Gene: SLC46A1 (solute carrier family 46 member 1; minus strand). Cytogenetic location: 17q11.2.
Variant type: single nucleotide variant.
Coding change: c.85G>A on transcript NM_080669.6 (MANE Select); coding-DNA position 85, G replaced by A.
Protein change: p.Val29Ile; replaces valine 29 with isoleucine.
Molecular consequence: missense variant.
Genome position (GRCh38, 1-based): chr17:28,406,030, C>T on the plus strand (G>A on the coding strand, the complement: SLC46A1 is on the minus strand). VCF-style: chr17-28406030-C-T. GRCh37 (hg19) VCF-style: chr17-26733048-C-T.
Other names: c.85G>A, p.Val29Ile (NM_001242366.3); short protein forms V29I.
Identifiers: ClinVar variation 892227 (VCV000892227.14), dbSNP rs41297067, ClinGen allele CA8458403.

ClinVar aggregate classification (germline): Conflicting classifications of pathogenicity. Review status: criteria provided, conflicting classifications (1 of 4 stars). 4 submissions from 4 submitters: Uncertain significance (3); Likely benign (1). Last evaluated 2026-01-27.

Conditions:
Congenital defect of folate absorption. Also called: Hereditary Folate Malabsorption. Identifiers: Orphanet 90045, MedGen C0342705, MONDO:0009238, OMIM 229050.

Allele frequency attached by ClinVar (database versions not stated): ExAC 0.00034; gnomAD exomes 0.00037 and 0.00017; gnomAD 0.00008 and 0.00007; TOPMed 0.00028.
gnomAD v4.1: 109 of 1,608,574 alleles (0.0068%); highest among the groups gnomAD compares: Admixed American, 0.18%; no homozygotes.

Submissions (4):

Labcorp Genetics (formerly Invitae), Labcorp
Classification: Likely benign. Last evaluated: 2026-01-27. Review status: criteria provided, single submitter. Criteria: Invitae Variant Classification Sherloc (09022015). Collection method: clinical testing. Allele origin: germline.

Blueprint Genetics
Classification: Uncertain significance. Last evaluated: 2024-11-26. Review status: criteria provided, single submitter. Criteria: ACMG Guidelines, 2015. Collection method: clinical testing. Allele origin: germline.

GeneDx
Classification: Uncertain significance. Last evaluated: 2019-06-17. Review status: criteria provided, single submitter. Criteria: GeneDx Variant Classification Process June 2021. Collection method: clinical testing. Allele origin: germline. Affected: yes.
Comment: In silico analysis, which includes protein predictors and evolutionary conservation, supports that this variant does not alter protein structure/function; Has not been previously published as pathogenic or benign to our knowledge

Illumina Laboratory Services, Illumina
Classification: Uncertain significance for Congenital defect of folate absorption. Last evaluated: 2017-04-27. Review status: criteria provided, single submitter. Criteria: ICSL Variant Classification Criteria 13 December 2019. Collection method: clinical testing. Allele origin: germline.
Comment: This variant was observed as part of a predisposition screen in an ostensibly healthy population. A literature search was performed for the gene, cDNA change, and amino acid change (where applicable). Publications were found based on this search. However, the evidence from the literature, in combination with allele frequency data from public databases where available, was not sufficient to rule this variant in or out of causing disease. Therefore, this variant is classified as a variant of unknown significance.

Literature cited by the submitters: PubMed 19176287 (cited by Illumina Laboratory Services, Illumina).